The following is an entry in ClinVar:

ClinVar aggregate classification (germline): Uncertain significance (1 of 4 stars; one submission).

Allele frequency attached by ClinVar (database versions not stated): gnomAD exomes below 0.00001; ExAC 0.00001; TOPMed 0.00001; gnomAD 0.00002.
gnomAD v4.1: 4 of 1,613,950 alleles (0.00025%); highest among the groups gnomAD compares: African/African-American, 0.0053%; no homozygotes.

Submission:

Labcorp Genetics (formerly Invitae), Labcorp
Classification: Uncertain significance. Last evaluated: 2022-02-01. Review status: criteria provided, single submitter. Criteria: Invitae Variant Classification Sherloc (09022015). Collection method: clinical testing. Allele origin: germline.
Comment: In summary, the available evidence is currently insufficient to determine the role of this variant in disease. Therefore, it has been classified as a Variant of Uncertain Significance. Algorithms developed to predict the effect of missense changes on protein structure and function (SIFT, PolyPhen-2, Align-GVGD) all suggest that this variant is likely to be disruptive. This variant has not been reported in the literature in individuals affected with TRPM1-related conditions. This variant is present in population databases (rs759614461, gnomAD 0.008%). This sequence change replaces glutamic acid, which is acidic and polar, with glycine, which is neutral and non-polar, at codon 255 of the TRPM1 protein (p.Glu255Gly).

NM_001252024.2(TRPM1):c.830A>G (p.Glu277Gly)

Gene: TRPM1 (transient receptor potential cation channel subfamily M member 1; minus strand). Cytogenetic location: 15q13.3.
Variant type: single nucleotide variant.
Coding change: c.830A>G on transcript NM_001252024.2 (MANE Select); coding-DNA position 830, A replaced by G.
Protein change: p.Glu277Gly; replaces glutamic acid 277 with glycine.
Molecular consequence: missense variant.
Genome position (GRCh38, 1-based): chr15:31,063,253, T>C on the plus strand (A>G on the coding strand, the complement: TRPM1 is on the minus strand). VCF-style: chr15-31063253-T-C. GRCh37 (hg19) VCF-style: chr15-31355456-T-C.
Other names: c.881A>G, p.Glu294Gly (NM_001252020.2); c.764A>G, p.Glu255Gly (NM_002420.6); short protein forms E294G, E255G, E277G.
Identifiers: ClinVar variation 1944340 (VCV001944340.5), dbSNP rs759614461, ClinGen allele CA7452788.